The following is an entry in ClinVar:

ClinVar aggregate classification (germline): Benign. Review status: criteria provided, multiple submitters, no conflicts (2 of 4 stars). 3 submissions from 3 submitters: Benign (3). Last evaluated 2026-01-22.

Allele frequency attached by ClinVar (database versions not stated): 1000 Genomes Project 0.16573; ESP Exome Variant Server 0.17565; TOPMed 0.17561; ExAC 0.20254; 1000 Genomes Project 30x 0.16334; gnomAD exomes 0.17471 and 0.17730; gnomAD 0.17524.
gnomAD v4.1: 255,515 of 1,435,868 alleles (18%); highest among the groups gnomAD compares: Middle Eastern, 29%; 23,209 homozygotes.

Submissions (3):

Labcorp Genetics (formerly Invitae), Labcorp
Classification: Benign. Last evaluated: 2026-01-22. Review status: criteria provided, single submitter. Criteria: Invitae Variant Classification Sherloc (09022015). Collection method: clinical testing. Allele origin: germline.

GeneDx
Classification: Benign. Last evaluated: 2018-03-24. Review status: criteria provided, single submitter. Criteria: GeneDx Variant Classification (06012015). Collection method: clinical testing. Allele origin: germline. Affected: yes.
Comment: This variant is considered likely benign or benign based on one or more of the following criteria: it is a conservative change, it occurs at a poorly conserved position in the protein, it is predicted to be benign by multiple in silico algorithms, and/or has population frequency not consistent with disease.

Breakthrough Genomics
Classification: Benign. Review status: criteria provided, single submitter. Criteria: ACMG Guidelines, 2015. Collection method: not provided. Allele origin: germline. Inheritance: Unknown mechanism. Affected: yes.

NM_001291088.2(WDR87):c.8645G>A (p.Arg2882Gln)

Gene: WDR87 (WD repeat domain 87; minus strand). Cytogenetic location: 19q13.13.
Variant type: single nucleotide variant.
Coding change: c.8645G>A on transcript NM_001291088.2 (MANE Select); coding-DNA position 8645, G replaced by A.
Protein change: p.Arg2882Gln; replaces arginine 2882 with glutamine.
Molecular consequence: missense variant.
Genome position (GRCh38, 1-based): chr19:37,885,026, C>T on the plus strand (G>A on the coding strand, the complement: WDR87 is on the minus strand). VCF-style: chr19-37885026-C-T. GRCh37 (hg19) VCF-style: chr19-38375666-C-T.
Other names: c.8528G>A, p.Arg2843Gln (NM_031951.5); short protein forms R2843Q, R2882Q.
Identifiers: ClinVar variation 677199 (VCV000677199.10), dbSNP rs73027451, ClinGen allele CA9408341.